The following is an entry in ClinVar:

ClinVar aggregate classification (germline): Conflicting classifications of pathogenicity. Review status: criteria provided, conflicting classifications (1 of 4 stars). 3 submissions from 3 submitters: Uncertain significance (2); Likely benign (1). Last evaluated 2025-10-18.

Conditions:
Cardiovascular phenotype. Identifiers: MedGen CN230736.
Long QT syndrome (LQTS). Identifiers: MedGen C0023976, MeSH D008133, MONDO:0002442. Disease mechanism: loss of function. Inheritance: Various modes of inheritance.
Long QT syndrome 11 (LQT11). Identifiers: Orphanet 101016, Orphanet 768, MedGen C2678483, MONDO:0012738, OMIM 611820.

Allele frequency attached by ClinVar (database versions not stated): ExAC 0.00002; gnomAD exomes 0.00002 and 0.00011; TOPMed 0.00006; gnomAD 0.00007; 1000 Genomes Project 30x 0.00016; 1000 Genomes Project 0.00020.
gnomAD v4.1: 161 of 1,601,386 alleles (0.01%); highest among the groups gnomAD compares: Non-Finnish European, 0.013%; no homozygotes.

Submissions (3):

Ambry Genetics
Classification: Likely benign for Cardiovascular phenotype. Last evaluated: 2025-10-18. Review status: criteria provided, single submitter. Criteria: Ambry Variant Classification Scheme 2023. Collection method: clinical testing. Allele origin: germline.

Labcorp Genetics (formerly Invitae), Labcorp
Classification: Uncertain significance for Long QT syndrome. Last evaluated: 2025-02-25. Review status: criteria provided, single submitter. Criteria: Invitae Variant Classification Sherloc (09022015). Collection method: clinical testing. Allele origin: germline.
Comment: This sequence change replaces asparagine, which is neutral and polar, with serine, which is neutral and polar, at codon 1100 of the AKAP9 protein (p.Asn1100Ser). This variant is present in population databases (rs201184315, gnomAD 0.01%). This variant has not been reported in the literature in individuals affected with AKAP9-related conditions. ClinVar contains an entry for this variant (Variation ID: 967044). An algorithm developed to predict the effect of missense changes on protein structure and function outputs the following: PolyPhen-2: "Benign". The serine amino acid residue is found in multiple mammalian species, which suggests that this missense change does not adversely affect protein function. In summary, the available evidence is currently insufficient to determine the role of this variant in disease. Therefore, it has been classified as a Variant of Uncertain Significance.

Fulgent Genetics
Classification: Uncertain significance for Long QT syndrome 11. Last evaluated: 2021-11-03. Review status: criteria provided, single submitter. Criteria: ACMG Guidelines, 2015. Collection method: clinical testing. Allele origin: unknown.

NM_005751.5(AKAP9):c.3299A>G (p.Asn1100Ser)

Gene: AKAP9 (A-kinase anchoring protein 9; plus strand). Cytogenetic location: 7q21.2.
Variant type: single nucleotide variant.
Coding change: c.3299A>G on transcript NM_005751.5 (MANE Select); coding-DNA position 3299, A replaced by G.
Protein change: p.Asn1100Ser; replaces asparagine 1100 with serine.
Molecular consequence: missense variant.
Genome position (GRCh38, 1-based): chr7:92,003,216, A>G. VCF-style: chr7-92003216-A-G. GRCh37 (hg19) VCF-style: chr7-91632530-A-G.
Other names: c.3299A>G, p.Asn1100Ser (NM_147185.3); short protein forms N1100S.
Identifiers: ClinVar variation 967044 (VCV000967044.14), dbSNP rs201184315, ClinGen allele CA4336264.